The following is an entry in ClinVar:

ClinVar aggregate classification (germline): Pathogenic (1 of 4 stars; one submission).

Conditions:
Hereditary cancer-predisposing syndrome. Also called: Neoplastic Syndromes, Hereditary; Hereditary Cancer Syndrome; Hereditary neoplastic syndrome; Tumor predisposition. Identifiers: Orphanet 140162, MedGen C0027672, MeSH D009386, MONDO:0015356.

Submission:

Ambry Genetics
Classification: Pathogenic for Hereditary cancer-predisposing syndrome. Last evaluated: 2016-03-15. Review status: criteria provided, single submitter. Criteria: Ambry Variant Classification Scheme 2023. Collection method: clinical testing. Allele origin: germline.
Comment: The c.4885dupG pathogenic mutation, located in coding exon 31 of the ATM gene, results from a duplication of G at nucleotide position 4885, causing a translational frameshift with a predicted alternate stop codon. Since frameshifts are typically deleterious in nature, this alteration is interpreted as a disease-causing mutation (ACMG Recommendations for Standards for Interpretation and Reporting of Sequence Variations. Revision 2007. Genet Med. 2008;10:294).

NM_000051.4(ATM):c.4885dup (p.Val1629fs)

Gene: ATM (ATM serine/threonine kinase; plus strand). Cytogenetic location: 11q22.3.
Variant type: Duplication.
Coding change: c.4885dup on transcript NM_000051.4 (MANE Select); coding-DNA position 4885, one base duplicated (G; older notation c.4885dupG).
Protein change: p.Val1629fs; shifts the reading frame from valine 1629.
Molecular consequence: frameshift variant.
Genome position (GRCh38, 1-based): chr11:108,295,035, G duplicated; the last of 2 consecutive G bases (chr11:108,295,034-108,295,035); duplicating either gives the same sequence. VCF-style (leftmost placement, unchanged base first): chr11-108295033-T-TG. GRCh37 (hg19) VCF-style: chr11-108165760-T-TG.
Other names: c.4885dup, p.Val1629fs (NM_001351834.2); c.4885dupG (NM_000051.3); short protein forms V1629fs.
Identifiers: ClinVar variation 478958 (VCV000478958.5), dbSNP rs1555101915, ClinGen allele CA658656208.